The following is an entry in ClinVar:

NM_016239.4(MYO15A):c.4533C>T (p.Ala1511=)

Gene: MYO15A (myosin XVA; plus strand). Cytogenetic location: 17p11.2.
Variant type: single nucleotide variant.
Coding change: c.4533C>T on transcript NM_016239.4 (MANE Select); coding-DNA position 4533, C replaced by T.
Protein change: p.Ala1511=; no amino-acid change (alanine 1511 retained).
Molecular consequence: synonymous variant.
Genome position (GRCh38, 1-based): chr17:18,135,761, C>T. VCF-style: chr17-18135761-C-T. GRCh37 (hg19) VCF-style: chr17-18039075-C-T.
Identifiers: ClinVar variation 226787 (VCV000226787.26), dbSNP rs114328138, ClinGen allele CA8423928.

ClinVar aggregate classification (germline): Benign/Likely benign. Review status: criteria provided, multiple submitters, no conflicts (2 of 4 stars). 8 submissions from 8 submitters: Benign (6); Likely benign (2). Last evaluated 2026-01-31.

Conditions:
Autosomal recessive nonsyndromic hearing loss 3. Also called: NEUROSENSORY NONSYNDROMIC RECESSIVE DEAFNESS 3. Identifiers: Orphanet 90636, MedGen C1838263, MONDO:0010860, OMIM 600316.

Allele frequency attached by ClinVar (database versions not stated): gnomAD 0.01843 and 0.01906; ESP Exome Variant Server 0.01991; TOPMed 0.02025; 1000 Genomes Project 0.02137; 1000 Genomes Project 30x 0.02249.
gnomAD v4.1: 11,725 of 1,614,124 alleles (0.73%); highest among the groups gnomAD compares: African/African-American, 5.4%; 162 homozygotes.

Submissions (8):

Labcorp Genetics (formerly Invitae), Labcorp
Classification: Benign. Last evaluated: 2026-01-31. Review status: criteria provided, single submitter. Criteria: Invitae Variant Classification Sherloc (09022015). Collection method: clinical testing. Allele origin: germline.

ARUP Laboratories, Molecular Genetics and Genomics, ARUP Laboratories
Classification: Benign for Autosomal recessive nonsyndromic hearing loss 3. Last evaluated: 2023-11-29. Review status: criteria provided, single submitter. Criteria: ARUP Molecular Germline Variant Investigation Process 2024. Collection method: clinical testing. Allele origin: germline.

Athena Diagnostics
Classification: Benign. Last evaluated: 2019-08-05. Review status: criteria provided, single submitter. Criteria: Athena Diagnostics Criteria. Collection method: clinical testing. Allele origin: germline.

Illumina Laboratory Services, Illumina
Classification: Likely benign for Autosomal recessive nonsyndromic hearing loss 3. Last evaluated: 2018-01-13. Review status: criteria provided, single submitter. Criteria: ICSL Variant Classification Criteria 13 December 2019. Collection method: clinical testing. Allele origin: germline.
Comment: This variant was observed in the ICSL laboratory as part of a predisposition screen in an ostensibly healthy population. It had not been previously curated by ICSL or reported in the Human Gene Mutation Database (HGMD: prior to June 1st, 2018), and was therefore a candidate for classification through an automated scoring system. Utilizing variant allele frequency, disease prevalence and penetrance estimates, and inheritance mode, an automated score was calculated to assess if this variant is too frequent to cause the disease. Based on the score and internal cut-off values, a variant classified as likely benign is not then subjected to further curation. The score for this variant resulted in a classification of likely benign for this disease.

GeneDx
Classification: Benign. Last evaluated: 2017-10-05. Review status: criteria provided, single submitter. Criteria: GeneDx Variant Classification (06012015). Collection method: clinical testing. Allele origin: germline. Affected: yes.
Comment: This variant is considered likely benign or benign based on one or more of the following criteria: it is a conservative change, it occurs at a poorly conserved position in the protein, it is predicted to be benign by multiple in silico algorithms, and/or has population frequency not consistent with disease.

Laboratory for Molecular Medicine, Mass General Brigham Personalized Medicine
Classification: Benign. Last evaluated: 2012-04-30. Review status: criteria provided, single submitter. Criteria: LMM Criteria. Collection method: clinical testing. Allele origin: germline. Observed: 30 variant alleles.
Comment: Ala1511Ala in Exon 13 of MYO15A: This variant is not expected to have clinical s ignificance because it does not alter an amino acid residue, is not located with in the splice consensus sequence, and has been identified in 4.5% (160/3530) of African American chromosomes from a broad population by the NHLBI Exome Sequenci ng Project (dbSNP rs114328138).

Breakthrough Genomics
Classification: Likely benign. Review status: criteria provided, single submitter. Criteria: ACMG Guidelines, 2015. Collection method: not provided. Allele origin: germline. Inheritance: Autosomal recessive inheritance. Affected: yes.

PreventionGenetics, part of Exact Sciences
Classification: Benign. Review status: criteria provided, single submitter. Criteria: ACMG Guidelines, 2015. Collection method: clinical testing. Allele origin: germline.